The following is an entry in ClinVar:

NM_001184880.2(PCDH19):c.1288_1291del (p.Val430fs)

Gene: PCDH19 (protocadherin 19; minus strand). Cytogenetic location: Xq22.1.
Variant type: Deletion.
Coding change: c.1288_1291del on transcript NM_001184880.2 (MANE Select); coding-DNA positions 1288 to 1291, 4 bases deleted (GTGC; older notation c.1288_1291delGTGC).
Protein change: p.Val430fs; shifts the reading frame from valine 430.
Molecular consequence: frameshift variant.
Genome position (GRCh38, 1-based): chrX:100,407,307-100,407,310, GCAC deleted on the plus strand (GTGC on the coding strand, the reverse complement: PCDH19 is on the minus strand); deleting any 4 consecutive bases within chrX:100,407,307-100,407,312 gives the same sequence; the c. name uses the placement nearest the transcript's 3' end. VCF-style (leftmost placement, unchanged base first): chrX-100407306-GGCAC-G. GRCh37 (hg19) VCF-style: chrX-99662304-GGCAC-G.
Other names: c.1288_1291del, p.Val430fs (NM_001105243.2, NM_020766.3); short protein forms V430fs.
Identifiers: ClinVar variation 817658 (VCV000817658.1), dbSNP rs1602636466, ClinGen allele CA915951271.
Genomic context (GRCh38, chrX:100,407,306, plus strand): 5'-GGGTGGTTGTCATTTTCGTCAGTGATGAGCACGGTAAAGGACTTGGCACTCTGCAGCATG[GGCAC>G]GCCGCCGTCGCGTGCCTGAATTGTGAGGTTGTATTGGTCGTGCTGCTCGCGGTCCAGCCG-3'

ClinVar aggregate classification (germline): Pathogenic (1 of 4 stars; one submission).

Submission:

GeneDx
Classification: Pathogenic. Last evaluated: 2018-03-12. Review status: criteria provided, single submitter. Criteria: GeneDx Variant Classification (06012015). Collection method: clinical testing. Allele origin: germline. Affected: yes.
Comment: The c.1288_1291delGTGC pathogenic variant in the PCDH19 gene causes a frameshift starting with codon Valine 430, changes this amino acid to a Proline residue and creates a premature Stop codon at position 138 of the new reading frame, denoted p.Val430ProfsX138. This pathogenic variant is predicted to cause loss of normal protein function either through protein truncation or nonsense-mediated mRNA decay. The c.1288_1291delGTGC variant is not observed in large population cohorts (Lek et al., 2016).